The following is an entry in ClinVar:

ClinVar aggregate classification (germline): Pathogenic. Review status: criteria provided, multiple submitters, no conflicts (2 of 4 stars). 2 submissions from 2 submitters: Pathogenic (2). Last evaluated 2024-06-07.

Conditions:
Mucopolysaccharidosis, MPS-II (MPS2). Also called: Attenuated MPS (subtype; formerly known as mild MPS II); Severe MPS II; I2S deficiency; MPS 2; IDS deficiency; Sulfoiduronate sulfatase deficiency. Identifiers: Orphanet 580, Orphanet 79388, MedGen C0026705, MONDO:0010674, OMIM 309900.

Submissions (2):

Laboratory of Diagnosis and Therapy of Lysosomal Disorders, University of Padova
Classification: Pathogenic for Mucopolysaccharidosis, MPS-II. Last evaluated: 2024-06-07. Review status: criteria provided, single submitter. Criteria: ACMG Guidelines, 2015. Collection method: literature only. Allele origin: germline. Affected: yes. Observed: 2 variant alleles.
Comment: Null variant (PVS1_VeryStrong), Absent from controls (or at low frequency) in gnomAD database (PM2_Moderate), Patient’s phenotype or family history highly specific for the disease (PP4_Strong)

Classification method: ACMG Guidelines [PMID:25741868] with modifications

Eurofins Ntd Llc (ga)
Classification: Pathogenic. Last evaluated: 2014-07-08. Review status: criteria provided, single submitter. Criteria: EGL Classification Definitions. Collection method: clinical testing. Allele origin: germline. Observed: 1 variant allele, 1 heterozygote.

Literature cited by the submitters: PubMed 31071499 (cited by Laboratory of Diagnosis and Therapy of Lysosomal Disorders, University of Padova); PubMed 9950361 (cited by Laboratory of Diagnosis and Therapy of Lysosomal Disorders, University of Padova and Eurofins Ntd Llc (ga)).

NM_000202.8(IDS):c.208dup (p.His70fs)

Gene: IDS (iduronate 2-sulfatase; minus strand). Cytogenetic location: Xq28.
Variant type: Duplication.
Coding change: c.208dup on transcript NM_000202.8 (MANE Select); coding-DNA position 208, one base duplicated (C; older notation c.208dupC).
Protein change: p.His70fs; shifts the reading frame from histidine 70.
Molecular consequence: frameshift variant. On other transcripts: 5 prime UTR variant (1), non-coding transcript variant (1).
Genome position (GRCh38, 1-based): chrX:149,504,189, G duplicated on the plus strand (C on the coding strand, the reverse complement: IDS is on the minus strand); the first of 3 consecutive G bases (chrX:149,504,189-149,504,191); duplicating any one gives the same sequence. VCF-style (leftmost placement, unchanged base first): chrX-149504188-T-TG. GRCh37 (hg19) VCF-style: chrX-148585718-T-TG.
Other names: c.-19dup (NM_001166550.4); c.208dup, p.His70fs (NM_006123.5); short protein forms H70fs.
Identifiers: ClinVar variation 195037 (VCV000195037.7), dbSNP rs797044671, ClinGen allele CA275063.
Genomic context (GRCh38, chrX:149,504,188, plus strand): 5'-CACCCACAGCTAGAGGTTCCCAGACATACCTGCGCAAAGGCATTCTGGAAGAGGAGGCTG[T>TG]GGGATGCCAGTTGGTCAATATTTGGGGACCTCACCAGCTTATCCCCATAACAGCCCAGGG-3'